The following is an entry in ClinVar:

ClinVar aggregate classification (germline): Likely pathogenic (1 of 4 stars; one submission).

Conditions:
Early-infantile DEE. Also called: Ohtahara syndrome; Early infantile epileptic encephalopathy with suppression bursts; Early infantile epileptic encephalopathy. Identifiers: Orphanet 1934, MedGen C0393706, MONDO:0800491.

Submission:

Labcorp Genetics (formerly Invitae), Labcorp
Classification: Likely pathogenic for Early-infantile DEE. Last evaluated: 2022-03-19. Review status: criteria provided, single submitter. Criteria: Invitae Variant Classification Sherloc (09022015). Collection method: clinical testing. Allele origin: germline.
Comment: In summary, the currently available evidence indicates that the variant is pathogenic, but additional data are needed to prove that conclusively. Therefore, this variant has been classified as Likely Pathogenic. Algorithms developed to predict the effect of sequence changes on RNA splicing suggest that this variant may disrupt the consensus splice site. ClinVar contains an entry for this variant (Variation ID: 1066089). Disruption of this splice site has been observed in individual(s) with BFNS (Invitae). This variant is not present in population databases (gnomAD no frequency). This sequence change affects an acceptor splice site in intron 4 of the KCNQ2 gene. It is expected to disrupt RNA splicing. Variants that disrupt the donor or acceptor splice site typically lead to a loss of protein function (PMID: 16199547), and loss-of-function variants in KCNQ2 are known to be pathogenic (PMID: 14534157, 23692823, 27779742).

Literature cited by the submitters: PubMed 16199547; PubMed 14534157; PubMed 23692823; PubMed 27779742.

NM_172107.4(KCNQ2):c.691-1G>A

Gene: KCNQ2 (potassium voltage-gated channel subfamily Q member 2; minus strand). Cytogenetic location: 20q13.33.
Variant type: single nucleotide variant.
Coding change: c.691-1G>A on transcript NM_172107.4 (MANE Select); the canonical splice acceptor site of the intron before coding-DNA position 691, G replaced by A.
Molecular consequence: splice acceptor variant.
Genome position (GRCh38, 1-based): chr20:63,442,532, C>T on the plus strand (G>A on the coding strand, the complement: KCNQ2 is on the minus strand). VCF-style: chr20-63442532-C-T. GRCh37 (hg19) VCF-style: chr20-62073885-C-T.
Other names: c.691-1G>A (NM_004518.6, NM_172108.5, NM_172106.3 and 2 more transcripts).
Identifiers: ClinVar variation 1066089 (VCV001066089.10), dbSNP rs2145736858, ClinGen allele CA409654127.